The following is an entry in ClinVar:

ClinVar aggregate classification (germline): Pathogenic (1 of 4 stars; one submission).

Conditions:
ALG6-congenital disorder of glycosylation 1C (CDG1C). Also called: CDG Ic; CARBOHYDRATE-DEFICIENT GLYCOPROTEIN SYNDROME, TYPE I, WITH DEFICIENT GLYCOSYLATION OF DOLICHOL-LINKED OLIGOSACCHARIDE; CARBOHYDRATE-DEFICIENT GLYCOPROTEIN SYNDROME, TYPE V; Congenital disorder of glycosylation type 1C; Congenital disorder of glycosylation, type Ic. Identifiers: Orphanet 79320, MedGen C2930997, MONDO:0011291, OMIM 603147.

Submission:

Myriad Genetics, Inc.
Classification: Pathogenic for ALG6-congenital disorder of glycosylation 1C. Last evaluated: 2025-03-25. Review status: criteria provided, single submitter. Criteria: Myriad Autosomal Dominant, Autosomal Recessive and X-Linked Classification Criteria (2023). Collection method: clinical testing. Allele origin: unknown.
Comment: NM_013339.3(ALG6):c.155delC(P52Rfs*39) is expected to be pathogenic in the context of congenital disorder of glycosylation, ALG6-related. This variant is predicted to lead to an abnormal or absent protein product due to the creation of a premature termination codon in ALG6, a gene where loss-of-function variants are known to be pathogenic. Please note: this variant was assessed in the context of healthy population screening.

NM_013339.4(ALG6):c.155del (p.Pro52fs)

Gene: ALG6 (ALG6 alpha-1,3-glucosyltransferase; plus strand). Cytogenetic location: 1p31.3.
Variant type: Deletion.
Coding change: c.155del on transcript NM_013339.4 (MANE Select); coding-DNA position 155, one base deleted (C; older notation c.155delC).
Protein change: p.Pro52fs; shifts the reading frame from proline 52.
Molecular consequence: frameshift variant.
Genome position (GRCh38, 1-based): chr1:63,396,585, C deleted; the last of 2 consecutive C bases (chr1:63,396,584-63,396,585); deleting either gives the same sequence. VCF-style (leftmost placement, unchanged base first): chr1-63396583-AC-A. GRCh37 (hg19) VCF-style: chr1-63862254-AC-A.
Other names: short protein forms P52fs.
Identifiers: ClinVar variation 5014258 (VCV005014258.1).